The following is an entry in ClinVar:

ClinVar aggregate classification (germline): Pathogenic/Likely pathogenic. Review status: criteria provided, multiple submitters, no conflicts (2 of 4 stars). 2 submissions from 2 submitters: Pathogenic (1); Likely pathogenic (1). Last evaluated 2024-10-30.

Conditions:
Glycogen storage disease, type VI (GSD6). Also called: Glycogen storage disease type 6, due to phosphorylation; GSD VI; Glycogen storage disease type 6; Hepatic glycogen phosphorylase deficiency; HERS DISEASE; PHOSPHORYLASE DEFICIENCY GLYCOGEN-STORAGE DISEASE OF LIVER. Identifiers: Orphanet 369, MedGen C0017925, MONDO:0009294, OMIM 232700.

gnomAD v4.1: 1 of 1,614,220 alleles (0.000062%); highest among the groups gnomAD compares: East Asian, 0.0022%; no homozygotes.

Submissions (2):

Women's Health and Genetics/Laboratory Corporation of America, LabCorp
Classification: Pathogenic for Glycogen storage disease, type VI. Last evaluated: 2024-10-30. Review status: criteria provided, single submitter. Criteria: LabCorp Variant Classification Summary - May 2015. Collection method: clinical testing. Allele origin: germline.
Comment: Variant summary: PYGL c.730C>T (p.Leu244Phe) results in a non-conservative amino acid change in the encoded protein sequence. Five of five in-silico tools predict a damaging effect of the variant on protein function. The variant was absent in 251444 control chromosomes. c.730C>T has been reported in the literature in multiple individuals affected with Glycogen storage disease, type VI (examples: Luo_2022, Dong_2022, Qi Lu_2020). These data indicate that the variant is very likely to be associated with disease. To our knowledge, no experimental evidence demonstrating an impact on protein function has been reported. The following publications have been ascertained in the context of this evaluation (PMID: 35143115, 36105079, 32892177). No submitters have cited clinical-significance assessments for this variant to ClinVar. Based on the evidence outlined above, the variant was classified as pathogenic.

Juno Genomics, Hangzhou Juno Genomics, Inc
Classification: Likely pathogenic for Glycogen storage disease, type VI. Review status: criteria provided, single submitter. Criteria: ACMG Guidelines, 2015. Collection method: clinical testing. Allele origin: germline.
Comment: Absent from controls (or at extremely low frequency if recessive) in Genome Aggregation Database.;Multiple lines of computational evidence support a deleterious effect on the gene or gene product.;For recessive disorders, detected in trans with a pathogenic variant.

Literature cited by the submitters: PubMed 35143115 (cited by Women's Health and Genetics/Laboratory Corporation of America, LabCorp); PubMed 32892177 (cited by Women's Health and Genetics/Laboratory Corporation of America, LabCorp); PubMed 36105079 (cited by Women's Health and Genetics/Laboratory Corporation of America, LabCorp).

NM_002863.5(PYGL):c.730C>T (p.Leu244Phe)

Gene: PYGL (glycogen phosphorylase L; minus strand). Cytogenetic location: 14q22.1.
Variant type: single nucleotide variant.
Coding change: c.730C>T on transcript NM_002863.5 (MANE Select); coding-DNA position 730, C replaced by T.
Protein change: p.Leu244Phe; replaces leucine 244 with phenylalanine.
Molecular consequence: missense variant.
Genome position (GRCh38, 1-based): chr14:50,920,998, G>A on the plus strand (C>T on the coding strand, the complement: PYGL is on the minus strand). VCF-style: chr14-50920998-G-A. GRCh37 (hg19) VCF-style: chr14-51387716-G-A.
Other names: c.628C>T, p.Leu210Phe (NM_001163940.2); short protein forms L210F, L244F.
Identifiers: ClinVar variation 3385228 (VCV003385228.3).
Genomic context (GRCh38, chr14:50,920,998, plus strand): 5'-GGCCTGTGCTGTACTCACAGTCTCTGAGGTTAAAGTCATTTGGTGCCCGAGCAGACCAGA[G>A]GCGCATGGTGTTGACAGTGTTATTCATGTAGCCGGGCACGGGGGTGTCATATGGCAGAGC-3'
Protein context (NP_002854.3, residues 234-254): YMNNTVNTMR[Leu244Phe]WSARAPNDFN